The following is an entry in ClinVar:

ClinVar aggregate classification (germline): Conflicting classifications of pathogenicity. Review status: criteria provided, conflicting classifications (1 of 4 stars). 3 submissions from 3 submitters: Uncertain significance (1); Likely benign (1). 1 of the submissions does not count toward it. Last evaluated 2026-01-11.

Conditions:
RELN-related disorder. Also called: RELN-related condition.
Norman-Roberts syndrome (LIS2). Also called: Lissencephaly 2 (Norman-Roberts type). Identifiers: Orphanet 89844, MedGen C0796089, MONDO:0009760, OMIM 257320.
Familial temporal lobe epilepsy 7. Identifiers: Orphanet 101046, MedGen C4225327, MONDO:0014639, OMIM 616436.

Submissions (3):

Labcorp Genetics (formerly Invitae), Labcorp
Classification: Likely benign for Familial temporal lobe epilepsy 7; Norman-Roberts syndrome. Last evaluated: 2026-01-11. Review status: criteria provided, single submitter. Criteria: Invitae Variant Classification Sherloc (09022015). Collection method: clinical testing. Allele origin: germline.

Blueprint Genetics
Classification: Uncertain significance. Last evaluated: 2021-08-16. Review status: criteria provided, single submitter. Criteria: ACMG Guidelines, 2015. Collection method: clinical testing. Allele origin: germline.

PreventionGenetics, part of Exact Sciences
Classification: Likely benign for RELN-related condition. Last evaluated: 2022-04-06. Review status: no assertion criteria provided. Collection method: clinical testing. Allele origin: germline. Not counted in ClinVar's aggregate classification.
Comment: This variant is classified as likely benign based on ACMG/AMP sequence variant interpretation guidelines (Richards et al. 2015 PMID: 25741868, with internal and published modifications).

NM_005045.4(RELN):c.8120-12_8120-9del

Genes: RELN (reelin; minus strand), SLC26A5-AS1 (SLC26A5 antisense RNA 1; plus strand). Cytogenetic location: 7q22.1.
Variant type: Deletion.
Coding change: c.8120-12_8120-9del on transcript NM_005045.4 (MANE Select); 12 bases into the intron before coding-DNA position 8120 through 9 bases into the intron before coding-DNA position 8120, 4 bases deleted (TTTT; older notation c.8120-12_8120-9delTTTT).
Molecular consequence: intron variant.
Genome position (GRCh38, 1-based): chr7:103,511,014-103,511,017, AAAA deleted on the plus strand (TTTT on the coding strand, the reverse complement: RELN is on the minus strand); deleting any 4 consecutive bases within chr7:103,511,014-103,511,020 gives the same sequence; the c. name uses the placement nearest the transcript's 3' end. VCF-style (leftmost placement, unchanged base first): chr7-103511013-CAAAA-C. GRCh37 (hg19) VCF-style: chr7-103151460-CAAAA-C.
Other names: c.8120-12_8120-9del (NM_173054.3).
Identifiers: ClinVar variation 3050321 (VCV003050321.4), dbSNP rs774679180, ClinGen allele CA1730767879.